The following is an entry in ClinVar:

ClinVar aggregate classification (germline): Uncertain significance. Review status: criteria provided, multiple submitters, no conflicts (2 of 4 stars). 2 submissions from 2 submitters: Uncertain significance (2). Last evaluated 2024-03-30.

Conditions:
Inborn genetic diseases. Identifiers: MedGen C0950123, MeSH D030342.

Allele frequency attached by ClinVar (database versions not stated): gnomAD 0.00001 and 0.00002; gnomAD exomes 0.00006; ExAC 0.00018.
gnomAD v4.1: 66 of 1,604,760 alleles (0.0041%); highest among the groups gnomAD compares: South Asian, 0.054%; 1 homozygote.

Submissions (3):

Ambry Genetics
Classification: Uncertain significance for Inborn genetic diseases. Last evaluated: 2024-03-30. Review status: criteria provided, single submitter. Criteria: Ambry Variant Classification Scheme 2023. Collection method: clinical testing. Allele origin: germline.

Labcorp Genetics (formerly Invitae), Labcorp
Classification: Uncertain significance. Last evaluated: 2021-09-17. Review status: criteria provided, single submitter. Criteria: Invitae Variant Classification Sherloc (09022015). Collection method: clinical testing. Allele origin: germline.
Comment: This sequence change replaces arginine with glutamine at codon 769 of the POLR3A protein (p.Arg769Gln). The arginine residue is moderately conserved and there is a small physicochemical difference between arginine and glutamine. This variant is present in population databases (rs760127574, ExAC 0.05%). This variant has not been reported in the literature in individuals with POLR3A-related disease. Algorithms developed to predict the effect of missense changes on protein structure and function (SIFT, PolyPhen-2, Align-GVGD) all suggest that this variant is likely to be tolerated, but these predictions have not been confirmed by published functional studies and their clinical significance is uncertain. Algorithms developed to predict the effect of sequence changes on RNA splicing suggest that this variant may create or strengthen a splice site, but this prediction has not been confirmed by published transcriptional studies. In summary, the available evidence is currently insufficient to determine the role of this variant in disease. Therefore, it has been classified as a Variant of Uncertain Significance.

Dr. Peter K. Rogan Lab, Western University
No classification provided (evidence only). Condition: Thyroid cancer, nonmedullary, 1. Review status: no classification provided. Collection method: in vitro. Allele origin: not applicable. Functional consequence: retained intron. Not counted in ClinVar's aggregate classification.

NM_007055.4(POLR3A):c.2306G>A (p.Arg769Gln)

Gene: POLR3A (RNA polymerase III subunit A; minus strand). Cytogenetic location: 10q22.3.
Variant type: single nucleotide variant.
Coding change: c.2306G>A on transcript NM_007055.4 (MANE Select); coding-DNA position 2306, G replaced by A.
Protein change: p.Arg769Gln; replaces arginine 769 with glutamine.
Molecular consequence: missense variant.
Genome position (GRCh38, 1-based): chr10:78,002,250, C>T on the plus strand (G>A on the coding strand, the complement: POLR3A is on the minus strand). VCF-style: chr10-78002250-C-T. GRCh37 (hg19) VCF-style: chr10-79762008-C-T.
Other names: c.2306G>A (NM_007055.3); short protein forms R769Q.
Identifiers: ClinVar variation 1353511 (VCV001353511.7), dbSNP rs760127574, ClinGen allele CA5571161.